The following is an entry in ClinVar:

ClinVar aggregate classification (germline): Uncertain significance. Review status: criteria provided, single submitter (1 of 4 stars). 2 submissions from 2 submitters: Uncertain significance (1). 1 of the submissions does not count toward it. Last evaluated 2021-09-01.

Conditions:
Primary ciliary dyskinesia. Also called: Ciliary dyskinesia. Identifiers: Orphanet 244, MedGen C0008780, MONDO:0016575, HP:0012265.

Allele frequency attached by ClinVar (database versions not stated): gnomAD exomes below 0.00001; TOPMed below 0.00001; gnomAD 0.00001.
gnomAD v4.1: 5 of 1,613,844 alleles (0.00031%); highest among the groups gnomAD compares: Non-Finnish European, 0.00042%; no homozygotes.

Submissions (2):

Labcorp Genetics (formerly Invitae), Labcorp
Classification: Uncertain significance for Primary ciliary dyskinesia. Last evaluated: 2021-09-01. Review status: criteria provided, single submitter. Criteria: Invitae Variant Classification Sherloc (09022015). Collection method: clinical testing. Allele origin: germline.
Comment: This sequence change replaces arginine with glutamine at codon 2255 of the DNAH5 protein (p.Arg2255Gln). The arginine residue is highly conserved and there is a small physicochemical difference between arginine and glutamine. This variant is not present in population databases (ExAC no frequency). This variant has not been reported in the literature in individuals affected with DNAH5-related conditions. Algorithms developed to predict the effect of missense changes on protein structure and function are either unavailable or do not agree on the potential impact of this missense change (SIFT: "Deleterious"; PolyPhen-2: "Benign"; Align-GVGD: "Class C0"). In summary, the available evidence is currently insufficient to determine the role of this variant in disease. Therefore, it has been classified as a Variant of Uncertain Significance.

Natera, Inc.
Classification: Uncertain significance for Primary ciliary dyskinesia. Last evaluated: 2021-10-11. Review status: no assertion criteria provided. Collection method: clinical testing. Allele origin: germline. Not counted in ClinVar's aggregate classification.

NM_001369.3(DNAH5):c.6764G>A (p.Arg2255Gln)

Gene: DNAH5 (dynein axonemal heavy chain 5; minus strand). Cytogenetic location: 5p15.2.
Variant type: single nucleotide variant.
Coding change: c.6764G>A on transcript NM_001369.3 (MANE Select); coding-DNA position 6764, G replaced by A.
Protein change: p.Arg2255Gln; replaces arginine 2255 with glutamine.
Molecular consequence: missense variant.
Genome position (GRCh38, 1-based): chr5:13,820,423, C>T on the plus strand (G>A on the coding strand, the complement: DNAH5 is on the minus strand). VCF-style: chr5-13820423-C-T. GRCh37 (hg19) VCF-style: chr5-13820532-C-T.
Other names: short protein forms R2255Q.
Identifiers: ClinVar variation 454797 (VCV000454797.10), dbSNP rs1317585354, ClinGen allele CA359194836.